The following is an entry in ClinVar:

NM_001018005.2(TPM1):c.53C>T (p.Ala18Val)

Gene: TPM1 (tropomyosin 1; plus strand). Cytogenetic location: 15q22.2.
Variant type: single nucleotide variant.
Coding change: c.53C>T on transcript NM_001018005.2 (MANE Select); coding-DNA position 53, C replaced by T.
Protein change: p.Ala18Val; replaces alanine 18 with valine.
Molecular consequence: missense variant.
Genome position (GRCh38, 1-based): chr15:63,042,882, C>T. VCF-style: chr15-63042882-C-T. GRCh37 (hg19) VCF-style: chr15-63335081-C-T.
Other names: c.53C>T, p.Ala18Val (NM_000366.6, NM_001018004.2, NM_001018006.2 and 7 more transcripts); short protein forms A18V.
Identifiers: ClinVar variation 848043 (VCV000848043.9), dbSNP rs730881150, ClinGen allele CA392718032.

ClinVar aggregate classification (germline): Uncertain significance (1 of 4 stars; one submission).

Conditions:
Hypertrophic cardiomyopathy. Also called: HYPERTROPHIC MYOCARDIOPATHY. Identifiers: Orphanet 217569, MedGen C0007194, MeSH D002312, MONDO:0005045, HP:0001639.

Submission:

Labcorp Genetics (formerly Invitae), Labcorp
Classification: Uncertain significance for Hypertrophic cardiomyopathy. Last evaluated: 2019-12-13. Review status: criteria provided, single submitter. Criteria: Invitae Variant Classification Sherloc (09022015). Collection method: clinical testing. Allele origin: germline.
Comment: In summary, the available evidence is currently insufficient to determine the role of this variant in disease. Therefore, it has been classified as a Variant of Uncertain Significance. Algorithms developed to predict the effect of missense changes on protein structure and function are either unavailable or do not agree on the potential impact of this missense change (SIFT: "Deleterious"; PolyPhen-2: "Probably Damaging"; Align-GVGD: "Class C0"). This variant has not been reported in the literature in individuals with TPM1-related conditions. This variant is not present in population databases (ExAC no frequency). This sequence change replaces alanine with valine at codon 18 of the TPM1 protein (p.Ala18Val). The alanine residue is moderately conserved and there is a small physicochemical difference between alanine and valine.